The following is an entry in ClinVar:

ClinVar aggregate classification (germline): Uncertain significance (1 of 4 stars; one submission).

Submission:

Ambry Genetics
Classification: Uncertain significance. Last evaluated: 2025-06-19. Review status: criteria provided, single submitter. Criteria: Ambry Variant Classification Scheme 2023. Collection method: clinical testing. Allele origin: germline.
Comment: The p.S1321A variant (also known as c.3961T>G), located in coding exon 8 of the MLH3 gene, results from a T to G substitution at nucleotide position 3961. The serine at codon 1321 is replaced by alanine, an amino acid with similar properties. This amino acid position is conserved. In addition, this alteration is predicted to be tolerated by in silico analysis. Since supporting evidence is limited at this time, the clinical significance of this alteration remains unclear.

NM_001040108.2(MLH3):c.3961T>G (p.Ser1321Ala)

Gene: MLH3 (mutL homolog 3; minus strand). Cytogenetic location: 14q24.3.
Variant type: single nucleotide variant.
Coding change: c.3961T>G on transcript NM_001040108.2 (MANE Select); coding-DNA position 3961, T replaced by G.
Protein change: p.Ser1321Ala; replaces serine 1321 with alanine.
Molecular consequence: missense variant.
Genome position (GRCh38, 1-based): chr14:75,030,569, A>C on the plus strand (T>G on the coding strand, the complement: MLH3 is on the minus strand). VCF-style: chr14-75030569-A-C. GRCh37 (hg19) VCF-style: chr14-75497272-A-C.
Other names: c.3889T>G, p.Ser1297Ala (NM_014381.3); short protein forms S1321A, S1297A.
Identifiers: ClinVar variation 2563561 (VCV002563561.3), dbSNP rs2503116692, ClinGen allele CA390422514.